The following is an entry in ClinVar:

NM_025137.4(SPG11):c.5410_5411del (p.Cys1804fs)

Gene: SPG11 (SPG11 vesicle trafficking associated, spatacsin; minus strand). Cytogenetic location: 15q21.1.
Variant type: Microsatellite.
Coding change: c.5410_5411del on transcript NM_025137.4 (MANE Select); coding-DNA positions 5410 to 5411, 2 bases deleted (TG; older notation c.5410_5411delTG).
Protein change: p.Cys1804fs; shifts the reading frame from cysteine 1804.
Molecular consequence: frameshift variant.
Genome position (GRCh38, 1-based): chr15:44,584,269-44,584,270, CA deleted on the plus strand (TG on the coding strand, the reverse complement: SPG11 is on the minus strand); deleting any 2 consecutive bases within chr15:44,584,269-44,584,272 gives the same sequence; the c. name uses the placement nearest the transcript's 3' end. VCF-style (leftmost placement, unchanged base first): chr15-44584268-GCA-G. GRCh37 (hg19) VCF-style: chr15-44876466-GCA-G.
Other names: c.5410_5411del, p.Cys1804fs (NM_001160227.2); short protein forms C1804fs.
Identifiers: ClinVar variation 41323 (VCV000041323.3), dbSNP rs312262766, ClinGen allele CA344353.

ClinVar aggregate classification (germline): Pathogenic. Review status: no assertion criteria provided (0 of 4 stars). 2 submissions from 2 submitters: Pathogenic (1). 1 of the submissions does not count toward it. Last evaluated 2019-02-11.

Conditions:
Hereditary spastic paraplegia 11. Also called: SPASTIC PARAPLEGIA, AUTOSOMAL RECESSIVE, COMPLICATED, WITH THIN CORPUS CALLOSUM; SPASTIC PARAPLEGIA, AUTOSOMAL RECESSIVE, WITH MENTAL IMPAIRMENT AND THIN CORPUS CALLOSUM; Spastic paraplegia, mental retardation and thin corpus callosum; Spastic Paraplegia 11; Nakamura Osame syndrome; Autosomal recessive hereditary spastic paraplegia, mental impairment, and thin corpus callosum. Identifiers: Orphanet 2822, MedGen C1858479, MONDO:0011445, OMIM 604360.

Submissions (2):

Department of Rehabilitation Medicine, Incheon St. Mary’s Hospital, College of Medicine, The Catholic University of Korea
Classification: Pathogenic for Hereditary spastic paraplegia 11. Last evaluated: 2019-02-11. Review status: no assertion criteria provided. Collection method: research. Allele origin: unknown. Inheritance: Autosomal recessive inheritance. Affected: yes. Observed: 1 compound heterozygote.

GeneReviews
No classification provided. Condition: Hereditary spastic paraplegia 11. Review status: no classification provided. Collection method: literature only. Allele origin: unknown. Not counted in ClinVar's aggregate classification.

Literature cited by the submitters: PubMed 19513778 (cited by GeneReviews); PubMed 20301389 (cited by GeneReviews); NCBI Bookshelf NBK1210 (cited by GeneReviews).